The following is an entry in ClinVar:

ClinVar aggregate classification (germline): Likely benign (1 of 4 stars; one submission).

Submission:

CeGaT Center for Human Genetics Tuebingen
Classification: Likely benign. Last evaluated: 2023-05-01. Review status: criteria provided, single submitter. Criteria: CeGaT Center For Human Genetics Tuebingen Variant Classification Criteria Version 2. Collection method: clinical testing. Allele origin: germline. Affected: yes. Observed: 1 variant allele.
Comment: GUCY2D: PM2:Supporting, BP4, BP7

NM_000180.4(GUCY2D):c.2784G>A (p.Gly928=)

Gene: GUCY2D (guanylate cyclase 2D, retinal; plus strand). Cytogenetic location: 17p13.1.
Variant type: single nucleotide variant.
Coding change: c.2784G>A on transcript NM_000180.4 (MANE Select); coding-DNA position 2784, G replaced by A.
Protein change: p.Gly928=; no amino-acid change (glycine 928 retained).
Molecular consequence: synonymous variant.
Genome position (GRCh38, 1-based): chr17:8,015,342, G>A. VCF-style: chr17-8015342-G-A. GRCh37 (hg19) VCF-style: chr17-7918660-G-A.
Identifiers: ClinVar variation 2647444 (VCV002647444.24), dbSNP rs763444638, ClinGen allele CA497753620.